The following is an entry in ClinVar:

NM_003482.4(KMT2D):c.8042G>A (p.Arg2681Gln)

Gene: KMT2D (lysine methyltransferase 2D; minus strand). Cytogenetic location: 12q13.12.
Variant type: single nucleotide variant.
Coding change: c.8042G>A on transcript NM_003482.4 (MANE Select); coding-DNA position 8042, G replaced by A.
Protein change: p.Arg2681Gln; replaces arginine 2681 with glutamine.
Molecular consequence: missense variant.
Genome position (GRCh38, 1-based): chr12:49,039,728, C>T on the plus strand (G>A on the coding strand, the complement: KMT2D is on the minus strand). VCF-style: chr12-49039728-C-T. GRCh37 (hg19) VCF-style: chr12-49433511-C-T.
Other names: short protein forms R2681Q.
Identifiers: ClinVar variation 2628960 (VCV002628960.4), dbSNP rs779506886, ClinGen allele CA6546946.

ClinVar aggregate classification (germline): Conflicting classifications of pathogenicity. Review status: criteria provided, conflicting classifications (1 of 4 stars). 3 submissions from 3 submitters: Uncertain significance (1); Likely benign (2). Last evaluated 2025-05-27.

Conditions:
Kabuki syndrome. Also called: Kabuki make-up syndrome; NIIKAWA-KUROKI SYNDROME. Identifiers: Orphanet 2322, MedGen C0796004, MONDO:0016512.
KMT2D-related disorder. Also called: KMT2D-Related Disorders.
Inborn genetic diseases. Identifiers: MedGen C0950123, MeSH D030342.

Allele frequency attached by ClinVar (database versions not stated): gnomAD exomes 0.00001; gnomAD 0.00002; ExAC 0.00002; TOPMed 0.00002.
gnomAD v4.1: 21 of 1,612,092 alleles (0.0013%); highest among the groups gnomAD compares: East Asian, 0.0022%; no homozygotes.

Submissions (3):

Labcorp Genetics (formerly Invitae), Labcorp
Classification: Likely benign for Kabuki syndrome. Last evaluated: 2025-05-27. Review status: criteria provided, single submitter. Criteria: Invitae Variant Classification Sherloc (09022015). Collection method: clinical testing. Allele origin: germline.

Ambry Genetics
Classification: Likely benign for Inborn genetic diseases. Last evaluated: 2024-08-01. Review status: criteria provided, single submitter. Criteria: Ambry Variant Classification Scheme 2023. Collection method: clinical testing. Allele origin: germline.

PreventionGenetics, part of Exact Sciences
Classification: Uncertain significance for KMT2D-related condition. Last evaluated: 2023-05-23. Review status: criteria provided, single submitter. Criteria: ACMG Guidelines, 2015. Collection method: clinical testing. Allele origin: germline.
Comment: The KMT2D c.8042G>A variant is predicted to result in the amino acid substitution p.Arg2681Gln. To our knowledge, this variant has not been reported in the literature. This variant is reported in 0.020% of alleles in individuals of Ashkenazi Jewish descent in gnomAD. Although we suspect that this variant may be benign, at this time, the clinical significance of this variant is uncertain due to the absence of conclusive functional and genetic evidence.